The following is an entry in ClinVar:

ClinVar aggregate classification (germline): Uncertain significance (1 of 4 stars; one submission).

Submission:

Labcorp Genetics (formerly Invitae), Labcorp
Classification: Uncertain significance. Last evaluated: 2025-01-18. Review status: criteria provided, single submitter. Criteria: Invitae Variant Classification Sherloc (09022015). Collection method: clinical testing. Allele origin: germline.
Comment: This sequence change replaces methionine, which is neutral and non-polar, with leucine, which is neutral and non-polar, at codon 360 of the CLCN2 protein (p.Met360Leu). This variant is not present in population databases (gnomAD no frequency). This variant has not been reported in the literature in individuals affected with CLCN2-related conditions. Invitae Evidence Modeling of protein sequence and biophysical properties (such as structural, functional, and spatial information, amino acid conservation, physicochemical variation, residue mobility, and thermodynamic stability) indicates that this missense variant is not expected to disrupt CLCN2 protein function with a negative predictive value of 80%. In summary, the available evidence is currently insufficient to determine the role of this variant in disease. Therefore, it has been classified as a Variant of Uncertain Significance.

NM_004366.6(CLCN2):c.1078A>C (p.Met360Leu)

Gene: CLCN2 (chloride voltage-gated channel 2; minus strand). Cytogenetic location: 3q27.1.
Variant type: single nucleotide variant.
Coding change: c.1078A>C on transcript NM_004366.6 (MANE Select); coding-DNA position 1078, A replaced by C.
Protein change: p.Met360Leu; replaces methionine 360 with leucine.
Molecular consequence: missense variant.
Genome position (GRCh38, 1-based): chr3:184,357,000, T>G on the plus strand (A>C on the coding strand, the complement: CLCN2 is on the minus strand). VCF-style: chr3-184357000-T-G. GRCh37 (hg19) VCF-style: chr3-184074788-T-G.
Other names: c.1078A>C, p.Met360Leu (NM_001171087.3, NM_001171089.3); c.946A>C, p.Met316Leu (NM_001171088.3); short protein forms M360L, M316L.
Identifiers: ClinVar variation 3723214 (VCV003723214.2).
Genomic context (GRCh38, chr3:184,357,000, plus strand): 5'-TGTGGCCCTTATACAACTCAAAGCAGCCTGGAGAGGAGCCGAGAGCCACTCACTTCCTCA[T>G]GAGGAAGCGATTGATGGTTTTCTGCTTCCGCATCACCTGGACAATCTTCCGGTTCAGGTA-3'
Protein context (NP_004357.3, residues 350-370): RKQKTINRFL[Met360Leu]RKRLLFPALV